The following is an entry in ClinVar:

ClinVar aggregate classification (germline): Pathogenic. Review status: criteria provided, multiple submitters, no conflicts (2 of 4 stars). 3 submissions from 3 submitters: Pathogenic (2). 1 of the submissions does not count toward it. Last evaluated 2024-11-04.

Conditions:
Neurofibromatosis, type 1 (NF1). Also called: Peripheral type neurofibromatosis; Neurofibromatosis, type I; VON RECKLINGHAUSEN DISEASE; NEUROFIBROMATOSIS, TYPE I, SOMATIC. Identifiers: Orphanet 636, MedGen C0027831, MONDO:0018975, OMIM 162200. Disease mechanism: loss of function.

Submissions (3):

GeneDx
Classification: Pathogenic. Last evaluated: 2024-11-04. Review status: criteria provided, single submitter. Criteria: GeneDx Variant Classification Process June 2021. Collection method: clinical testing. Allele origin: germline. Affected: yes.
Comment: Frameshift variant predicted to result in protein truncation or nonsense mediated decay in a gene for which loss of function is a known mechanism of disease; Not observed at significant frequency in large population cohorts (gnomAD); This variant is associated with the following publications: (PMID: 26969325, 31776437)

Labcorp Genetics (formerly Invitae), Labcorp
Classification: Pathogenic for Neurofibromatosis, type 1. Last evaluated: 2023-06-23. Review status: criteria provided, single submitter. Criteria: Invitae Variant Classification Sherloc (09022015). Collection method: clinical testing. Allele origin: germline.
Comment: This premature translational stop signal has been observed in individual(s) with neurofibromatosis type 1 (PMID: 26969325). This sequence change creates a premature translational stop signal (p.Thr2013Asnfs*26) in the NF1 gene. It is expected to result in an absent or disrupted protein product. Loss-of-function variants in NF1 are known to be pathogenic (PMID: 10712197, 23913538). This variant is not present in population databases (gnomAD no frequency). ClinVar contains an entry for this variant (Variation ID: 1048717). For these reasons, this variant has been classified as Pathogenic.

Laboratory of Medical Genetics, National & Kapodistrian University of Athens
Classification: Pathogenic for Neurofibromatosis, type 1. Last evaluated: 2019-01-01. Review status: no assertion criteria provided. Collection method: clinical testing. Allele origin: germline. Affected: yes. Not counted in ClinVar's aggregate classification.

Literature cited by the submitters: PubMed 26969325 (cited by Labcorp Genetics (formerly Invitae), Labcorp); PubMed 10712197 (cited by Labcorp Genetics (formerly Invitae), Labcorp); PubMed 23913538 (cited by Labcorp Genetics (formerly Invitae), Labcorp).

NM_001042492.3(NF1):c.6100dup (p.Thr2034fs)

Gene: NF1 (neurofibromin 1; plus strand). Cytogenetic location: 17q11.2.
Variant type: Duplication.
Coding change: c.6100dup on transcript NM_001042492.3 (MANE Select); coding-DNA position 6100, one base duplicated (A; older notation c.6100dupA).
Protein change: p.Thr2034fs; shifts the reading frame from threonine 2034.
Molecular consequence: frameshift variant.
Genome position (GRCh38, 1-based): chr17:31,336,426, A duplicated. VCF-style (leftmost placement, unchanged base first): chr17-31336425-T-TA. GRCh37 (hg19) VCF-style: chr17-29663443-T-TA.
Other names: c.6037dup, p.Thr2013Asnfs (NM_000267.4); c.6100dupA (NM_001042492.3); short protein forms T2013fs, T2034fs.
Identifiers: ClinVar variation 1048717 (VCV001048717.8), dbSNP rs2151553456, ClinGen allele CA2499224183.
Genomic context (GRCh38, chr17:31,336,425, plus strand): 5'-TTTCATCAAAACCAGTGCAACAGGTGGCTTGGGATCAATAAAAGCTGAGGTGATGGCAGA[T>TA]ACTGCTGTAGCTTTGGCTTCTGGAAATGTGAAATTGGTTTCAAGCAAGGTAATCACTTTT-3'